The following is an entry in ClinVar:

NM_002875.5(RAD51):c.28A>G (p.Asn10Asp)

Gene: RAD51 (RAD51 recombinase; plus strand). Cytogenetic location: 15q15.1.
Variant type: single nucleotide variant.
Coding change: c.28A>G on transcript NM_002875.5 (MANE Select); coding-DNA position 28, A replaced by G.
Protein change: p.Asn10Asp; replaces asparagine 10 with aspartic acid.
Molecular consequence: missense variant.
Genome position (GRCh38, 1-based): chr15:40,698,786, A>G. VCF-style: chr15-40698786-A-G. GRCh37 (hg19) VCF-style: chr15-40990984-A-G.
Other names: c.28A>G, p.Asn10Asp (NM_001164269.2, NM_001164270.2, NM_133487.4); short protein forms N10D.
Identifiers: ClinVar variation 1797408 (VCV001797408.6), dbSNP rs2504406316, ClinGen allele CA391744155.

ClinVar aggregate classification (germline): Uncertain significance. Review status: criteria provided, multiple submitters, no conflicts (2 of 4 stars). 2 submissions from 2 submitters: Uncertain significance (2). Last evaluated 2024-12-25.

Conditions:
Inborn genetic diseases. Identifiers: MedGen C0950123, MeSH D030342.

gnomAD v4.1: 1 of 1,614,190 alleles (0.000062%); no homozygotes.

Submissions (2):

Ambry Genetics
Classification: Uncertain significance for Inborn genetic diseases. Last evaluated: 2024-12-25. Review status: criteria provided, single submitter. Criteria: Ambry Variant Classification Scheme 2023. Collection method: clinical testing. Allele origin: germline.

Labcorp Genetics (formerly Invitae), Labcorp
Classification: Uncertain significance. Last evaluated: 2024-09-11. Review status: criteria provided, single submitter. Criteria: Invitae Variant Classification Sherloc (09022015). Collection method: clinical testing. Allele origin: germline.
Comment: This sequence change replaces asparagine, which is neutral and polar, with aspartic acid, which is acidic and polar, at codon 10 of the RAD51 protein (p.Asn10Asp). This variant is not present in population databases (gnomAD no frequency). This variant has not been reported in the literature in individuals affected with RAD51-related conditions. ClinVar contains an entry for this variant (Variation ID: 1797408). An algorithm developed to predict the effect of missense changes on protein structure and function (PolyPhen-2) suggests that this variant is likely to be tolerated. In summary, the available evidence is currently insufficient to determine the role of this variant in disease. Therefore, it has been classified as a Variant of Uncertain Significance.